The following is an entry in ClinVar:

NM_001429.4(EP300):c.6163T>C (p.Leu2055=)

Gene: EP300 (EP300 lysine acetyltransferase; plus strand). Cytogenetic location: 22q13.2.
Variant type: single nucleotide variant.
Coding change: c.6163T>C on transcript NM_001429.4 (MANE Select); coding-DNA position 6163, T replaced by C.
Protein change: p.Leu2055=; no amino-acid change (leucine 2055 retained).
Molecular consequence: synonymous variant.
Genome position (GRCh38, 1-based): chr22:41,177,874, T>C. VCF-style: chr22-41177874-T-C. GRCh37 (hg19) VCF-style: chr22-41573878-T-C.
Other names: c.6085T>C, p.Leu2029= (NM_001362843.2); c.6163T>C (NM_001429.3).
Identifiers: ClinVar variation 2715691 (VCV002715691.5), dbSNP rs564569293, ClinGen allele CA10253790.

ClinVar aggregate classification (germline): Benign. Review status: criteria provided, single submitter (1 of 4 stars). 2 submissions from 2 submitters: Benign (1). 1 of the submissions does not count toward it. Last evaluated 2024-05-09.

Conditions:
Rubinstein-Taybi syndrome due to EP300 haploinsufficiency. Also called: RUBINSTEIN-TAYBI SYNDROME 2; EP300-Related Rubinstein-Taybi Syndrome. Identifiers: Orphanet 353284, Orphanet 783, MedGen C3150941, MONDO:0013364, OMIM 613684.
EP300-related disorder. Also called: EP300-related condition; EP300-related disorders.

Allele frequency attached by ClinVar (database versions not stated): gnomAD exomes below 0.00001; TOPMed below 0.00001; ExAC 0.00001; gnomAD 0.00001; 1000 Genomes Project 30x 0.00016; 1000 Genomes Project 0.00020.

Submissions (2):

Labcorp Genetics (formerly Invitae), Labcorp
Classification: Benign for Rubinstein-Taybi syndrome due to EP300 haploinsufficiency. Last evaluated: 2024-05-09. Review status: criteria provided, single submitter. Criteria: Invitae Variant Classification Sherloc (09022015). Collection method: clinical testing. Allele origin: germline.

PreventionGenetics, part of Exact Sciences
Classification: Likely benign for EP300-related condition. Last evaluated: 2022-01-03. Review status: no assertion criteria provided. Collection method: clinical testing. Allele origin: germline. Not counted in ClinVar's aggregate classification.
Comment: This variant is classified as likely benign based on ACMG/AMP sequence variant interpretation guidelines (Richards et al. 2015 PMID: 25741868, with internal and published modifications).